The following is an entry in ClinVar:

ClinVar aggregate classification (germline): Uncertain significance. Review status: criteria provided, multiple submitters, no conflicts (2 of 4 stars). 2 submissions from 2 submitters: Uncertain significance (2). Last evaluated 2025-04-09.

Conditions:
Cardiovascular phenotype. Identifiers: MedGen CN230736.
Long QT syndrome (LQTS). Identifiers: MedGen C0023976, MeSH D008133, MONDO:0002442. Disease mechanism: loss of function. Inheritance: Various modes of inheritance.

Allele frequency attached by ClinVar (database versions not stated): TOPMed below 0.00001; gnomAD 0.00001; gnomAD exomes 0.00002; ExAC 0.00003.
gnomAD v4.1: 24 of 1,601,250 alleles (0.0015%); highest among the groups gnomAD compares: Non-Finnish European, 0.002%; no homozygotes.

Submissions (2):

Molecular Diagnostic Laboratory for Inherited Cardiovascular Disease, Montreal Heart Institute
Classification: Uncertain significance for Cardiovascular phenotype. Last evaluated: 2025-04-09. Review status: criteria provided, single submitter. Criteria: ACMG Guidelines, 2015. Collection method: clinical testing. Allele origin: germline. Affected: yes.
Comment: PM2, PP3

Labcorp Genetics (formerly Invitae), Labcorp
Classification: Uncertain significance for Long QT syndrome. Last evaluated: 2024-12-08. Review status: criteria provided, single submitter. Criteria: Invitae Variant Classification Sherloc (09022015). Collection method: clinical testing. Allele origin: germline.
Comment: This sequence change replaces methionine, which is neutral and non-polar, with threonine, which is neutral and polar, at codon 466 of the CACNA1C protein (p.Met466Thr). The frequency data for this variant in the population databases is considered unreliable, as metrics indicate poor data quality at this position in the gnomAD database. This variant has not been reported in the literature in individuals affected with CACNA1C-related conditions. ClinVar contains an entry for this variant (Variation ID: 1346379). Invitae Evidence Modeling of protein sequence and biophysical properties (such as structural, functional, and spatial information, amino acid conservation, physicochemical variation, residue mobility, and thermodynamic stability) indicates that this missense variant is not expected to disrupt CACNA1C protein function with a negative predictive value of 95%. In summary, the available evidence is currently insufficient to determine the role of this variant in disease. Therefore, it has been classified as a Variant of Uncertain Significance.

NM_000719.7(CACNA1C):c.1397T>C (p.Met466Thr)

Gene: CACNA1C (calcium voltage-gated channel subunit alpha1 C; plus strand). Cytogenetic location: 12p13.33.
Variant type: single nucleotide variant.
Coding change: c.1397T>C on transcript NM_000719.7 (MANE Select); coding-DNA position 1397, T replaced by C.
Protein change: p.Met466Thr; replaces methionine 466 with threonine.
Molecular consequence: missense variant.
Genome position (GRCh38, 1-based): chr12:2,549,949, T>C. VCF-style: chr12-2549949-T-C. GRCh37 (hg19) VCF-style: chr12-2659115-T-C.
Other names: c.1397T>C, p.Met466Thr (NM_001129827.2, NM_001129829.2, NM_001129830.3 and 18 more transcripts); c.1388T>C, p.Met463Thr (NM_001129844.2); c.1397T>C (NM_199460.3); short protein forms M466T, M463T.
Identifiers: ClinVar variation 1346379 (VCV001346379.9), dbSNP rs769782016, ClinGen allele CA6388726.
Genomic context (GRCh38, chr12:2,549,949, plus strand): 5'-TCCCTTGTCTCCCCACCCTCAATGCCTGGCTCTGCTTCCCTTTGACTCTTGCAGTGAGCA[T>C]GCCCACCAGTGAGACCGAGTCCGTCAACACCGAAAACGTGGCTGGAGGTGACATCGAGGG-3'
Protein context (NP_000710.5, residues 456-476): MDEEKPRNMS[Met466Thr]PTSETESVNT